The following is an entry in ClinVar:

ClinVar aggregate classification (germline): Likely benign. Review status: criteria provided, multiple submitters, no conflicts (2 of 4 stars). 2 submissions from 2 submitters: Likely benign (2). Last evaluated 2024-10-17.

Allele frequency attached by ClinVar (database versions not stated): TOPMed 0.00003; gnomAD exomes 0.00004 and 0.00006; gnomAD 0.00005 and 0.00006; ESP Exome Variant Server 0.00008; ExAC 0.00009.
gnomAD v4.1: 66 of 1,613,520 alleles (0.0041%); highest among the groups gnomAD compares: Non-Finnish European, 0.0052%; no homozygotes.

Submissions (2):

Labcorp Genetics (formerly Invitae), Labcorp
Classification: Likely benign. Last evaluated: 2024-10-17. Review status: criteria provided, single submitter. Criteria: Invitae Variant Classification Sherloc (09022015). Collection method: clinical testing. Allele origin: germline.

CeGaT Center for Human Genetics Tuebingen
Classification: Likely benign. Last evaluated: 2024-08-01. Review status: criteria provided, single submitter. Criteria: CeGaT Center For Human Genetics Tuebingen Variant Classification Criteria Version 2. Collection method: clinical testing. Allele origin: germline. Affected: yes. Observed: 1 variant allele.
Comment: KLC2: BP4, BP7

NM_001318734.2(KLC2):c.1662G>A (p.Arg554=)

Gene: KLC2 (kinesin light chain 2; plus strand). Cytogenetic location: 11q13.2.
Variant type: single nucleotide variant.
Coding change: c.1662G>A on transcript NM_001318734.2 (MANE Select); coding-DNA position 1662, G replaced by A.
Protein change: p.Arg554=; no amino-acid change (arginine 554 retained).
Molecular consequence: synonymous variant.
Genome position (GRCh38, 1-based): chr11:66,266,152, G>A. VCF-style: chr11-66266152-G-A. GRCh37 (hg19) VCF-style: chr11-66033623-G-A.
Other names: c.1431G>A, p.Arg477= (NM_001134774.2); c.1662G>A, p.Arg554= (NM_001134775.2, NM_001134776.2, NM_022822.3).
Identifiers: ClinVar variation 1638838 (VCV001638838.24), dbSNP rs367871112, ClinGen allele CA6117518.